The following is an entry in ClinVar:

NM_000062.3(SERPING1):c.686-1335T>A

Gene: SERPING1 (serpin family G member 1; plus strand). Cytogenetic location: 11q12.1.
Variant type: single nucleotide variant.
Coding change: c.686-1335T>A on transcript NM_000062.3 (MANE Select); 1335 bases into the intron before coding-DNA position 686, T replaced by A.
Molecular consequence: intron variant.
Genome position (GRCh38, 1-based): chr11:57,604,675, T>A. VCF-style: chr11-57604675-T-A. GRCh37 (hg19) VCF-style: chr11-57372148-T-A.
Other names: c.686-1335T>A (NM_001032295.2).
Identifiers: ClinVar variation 983249 (VCV000983249.2), dbSNP rs1156278971, ClinGen allele CA678627962.

ClinVar aggregate classification (germline): Likely benign (1 of 4 stars; one submission).

Conditions:
Hereditary angioedema type 1 (HAE1). Identifiers: Orphanet 100050, Orphanet 100051, Orphanet 91378, MedGen C2717906, MONDO:0015053, OMIM 106100.

Allele frequency attached by ClinVar (database versions not stated): TOPMed below 0.00001; gnomAD 0.00001.
gnomAD v4.1: 1 of 152,152 alleles (0.00066%); highest among the groups gnomAD compares: Non-Finnish European, 0.0015%; no homozygotes.

Submission:

CeMIA
Classification: Likely benign for Hereditary angioedema type 1. Review status: criteria provided, single submitter. Criteria: ACMG Guidelines, 2015. Collection method: clinical testing. Allele origin: germline. Affected: yes.
Comment: This variant is considered likely benign or benign based on one or more of the following criteria: allele frequency is >5% in Exome Sequencing Project, 1000 Genomes Project, or Exome Aggregation Consortium (BA1), allele frequency is greater than expected for disorder (BS1), it is observed in a healthy adult individual (BS2), it is predicted to be benign by multiple in silico algorithms (BP4), it is found in a case with an alternate molecular basis for the disease (BP5) and/or reputable source recently reports variant as benign (BP6).

Literature cited by the submitters: PubMed 31959500.